The following is an entry in ClinVar:

NM_001349.4(DARS1):c.1076G>A (p.Gly359Glu)

Gene: DARS1 (aspartyl-tRNA synthetase 1; minus strand). Cytogenetic location: 2q21.3.
Variant type: single nucleotide variant.
Coding change: c.1076G>A on transcript NM_001349.4 (MANE Select); coding-DNA position 1076, G replaced by A.
Protein change: p.Gly359Glu; replaces glycine 359 with glutamic acid.
Molecular consequence: missense variant.
Genome position (GRCh38, 1-based): chr2:135,916,256, C>T on the plus strand (G>A on the coding strand, the complement: DARS1 is on the minus strand). VCF-style: chr2-135916256-C-T. GRCh37 (hg19) VCF-style: chr2-136673826-C-T.
Other names: c.776G>A, p.Gly259Glu (NM_001293312.1); c.1076G>A (NM_001349.2); short protein forms G259E, G359E.
Identifiers: ClinVar variation 1682552 (VCV001682552.38), dbSNP rs374983029, ClinGen allele CA1889598.

ClinVar aggregate classification (germline): Uncertain significance. Review status: criteria provided, multiple submitters, no conflicts (2 of 4 stars). 3 submissions from 3 submitters: Uncertain significance (3). Last evaluated 2026-01-08.

Conditions:
Inborn genetic diseases. Identifiers: MedGen C0950123, MeSH D030342.

Allele frequency attached by ClinVar (database versions not stated): gnomAD exomes 0.00001 and 0.00002; ExAC 0.00002; gnomAD 0.00003; TOPMed 0.00004; ESP Exome Variant Server 0.00008.
gnomAD v4.1: 29 of 1,598,820 alleles (0.0018%); highest among the groups gnomAD compares: Non-Finnish European, 0.0022%; no homozygotes.

Submissions (3):

Labcorp Genetics (formerly Invitae), Labcorp
Classification: Uncertain significance. Last evaluated: 2026-01-08. Review status: criteria provided, single submitter. Criteria: Invitae Variant Classification Sherloc (09022015). Collection method: clinical testing. Allele origin: germline.
Comment: This sequence change replaces glycine, which is neutral and non-polar, with glutamic acid, which is acidic and polar, at codon 359 of the DARS protein (p.Gly359Glu). This variant is present in population databases (rs374983029, gnomAD 0.005%). This variant has not been reported in the literature in individuals affected with DARS-related conditions. ClinVar contains an entry for this variant (Variation ID: 1682552). Invitae Evidence Modeling of protein sequence and biophysical properties (such as structural, functional, and spatial information, amino acid conservation, physicochemical variation, residue mobility, and thermodynamic stability) indicates that this missense variant is not expected to disrupt DARS protein function with a negative predictive value of 80%. In summary, the available evidence is currently insufficient to determine the role of this variant in disease. Therefore, it has been classified as a Variant of Uncertain Significance.

CeGaT Center for Human Genetics Tuebingen
Classification: Uncertain significance. Last evaluated: 2022-10-01. Review status: criteria provided, single submitter. Criteria: CeGaT Center For Human Genetics Tuebingen Variant Classification Criteria Version 2. Collection method: clinical testing. Allele origin: germline. Affected: yes. Observed: 1 variant allele.
Comment: DARS1: PM2, PP3

Ambry Genetics
Classification: Uncertain significance for Inborn genetic diseases. Last evaluated: 2021-10-21. Review status: criteria provided, single submitter. Criteria: Ambry Variant Classification Scheme 2023. Collection method: clinical testing. Allele origin: germline.